The following is an entry in ClinVar:

ClinVar aggregate classification (germline): Conflicting classifications of pathogenicity. Review status: criteria provided, conflicting classifications (1 of 4 stars). 4 submissions from 4 submitters: Uncertain significance (1); Benign (1); Likely benign (2). Last evaluated 2026-06-23.

Conditions:
Retinoblastoma (RB1). Also called: RETINOBLASTOMA, SOMATIC. Identifiers: Orphanet 790, MedGen C0035335, MeSH D012175, MONDO:0008380, OMIM 180200, HP:0009919. Disease mechanism: loss of function. Inheritance: Both sporadic and heritable forms are tested..
Hereditary cancer-predisposing syndrome. Also called: Hereditary neoplastic syndrome; Hereditary Cancer Syndrome; Neoplastic Syndromes, Hereditary; Tumor predisposition. Identifiers: Orphanet 140162, MedGen C0027672, MeSH D009386, MONDO:0015356.

Allele frequency attached by ClinVar (database versions not stated): gnomAD exomes below 0.00001.
gnomAD v4.1: 1 of 1,612,218 alleles (0.000062%); highest among the groups gnomAD compares: South Asian, 0.0011%; no homozygotes.

Submissions (4):

Myriad Genetics, Inc.
Classification: Benign for Retinoblastoma. Last evaluated: 2026-06-23. Review status: criteria provided, single submitter. Criteria: Myriad Autosomal Dominant, Autosomal Recessive and X-Linked Classification Criteria (2023). Collection method: clinical testing. Allele origin: unknown.
Comment: This variant is considered benign. This variant is a silent/synonymous amino acid change and it is not expected to impact splicing.

Labcorp Genetics (formerly Invitae), Labcorp
Classification: Likely benign for Retinoblastoma. Last evaluated: 2025-09-01. Review status: criteria provided, single submitter. Criteria: Invitae Variant Classification Sherloc (09022015). Collection method: clinical testing. Allele origin: germline.

Ambry Genetics
Classification: Likely benign for Hereditary cancer-predisposing syndrome. Last evaluated: 2022-10-04. Review status: criteria provided, single submitter. Criteria: Ambry Variant Classification Scheme 2023. Collection method: clinical testing. Allele origin: germline.

Illumina Laboratory Services, Illumina
Classification: Uncertain significance for Retinoblastoma. Last evaluated: 2018-01-12. Review status: criteria provided, single submitter. Criteria: ICSL Variant Classification Criteria 13 December 2019. Collection method: clinical testing. Allele origin: germline.

NM_000321.3(RB1):c.616T>C (p.Leu206=)

Gene: RB1 (RB transcriptional corepressor 1; plus strand). Cytogenetic location: 13q14.2.
Variant type: single nucleotide variant.
Coding change: c.616T>C on transcript NM_000321.3 (MANE Select); coding-DNA position 616, T replaced by C.
Protein change: p.Leu206=; no amino-acid change (leucine 206 retained).
Molecular consequence: synonymous variant.
Genome position (GRCh38, 1-based): chr13:48,360,025, T>C. VCF-style: chr13-48360025-T-C. GRCh37 (hg19) VCF-style: chr13-48934161-T-C.
Identifiers: ClinVar variation 312285 (VCV000312285.12), dbSNP rs886050270, ClinGen allele CA10634444.